The following is an entry in ClinVar:

ClinVar aggregate classification (germline): Pathogenic/Likely pathogenic. Review status: criteria provided, multiple submitters, no conflicts (2 of 4 stars). 2 submissions from 2 submitters: Pathogenic (1); Likely pathogenic (1). Last evaluated 2025-07-21.

Conditions:
Cardiovascular phenotype. Identifiers: MedGen CN230736.
Autosomal recessive limb-girdle muscular dystrophy type 2J (LGMDR10). Also called: Limb-girdle muscular dystrophy, type 2J; MUSCULAR DYSTROPHY, LIMB-GIRDLE, AUTOSOMAL RECESSIVE 10. Identifiers: Orphanet 140922, MedGen C1837342, MONDO:0012127, OMIM 608807.
Dilated cardiomyopathy 1G (CMD1G). Identifiers: Orphanet 154, MedGen C1858763, MONDO:0011400, OMIM 604145.

gnomAD v4.1: 2 of 1,613,934 alleles (0.00012%); highest among the groups gnomAD compares: Non-Finnish European, 0.00017%; no homozygotes.

Submissions (2):

Labcorp Genetics (formerly Invitae), Labcorp
Classification: Pathogenic for Dilated cardiomyopathy 1G; Autosomal recessive limb-girdle muscular dystrophy type 2J. Last evaluated: 2025-07-21. Review status: criteria provided, single submitter. Criteria: Invitae Variant Classification Sherloc (09022015). Collection method: clinical testing. Allele origin: germline.
Comment: This sequence change creates a premature translational stop signal (p.Arg2501*) in the TTN gene. While this is not anticipated to result in nonsense mediated decay, it is expected to create a truncated TTN protein. This variant is present in population databases (rs781459488, gnomAD 0.0009%). This premature translational stop signal has been observed in individual(s) with autosomal recessive TTN-related conditions (internal data). In at least one individual the data is consistent with being in trans (on the opposite chromosome) from a pathogenic variant. ClinVar contains an entry for this variant (Variation ID: 578280). Algorithms developed to predict the effect of sequence changes on RNA splicing suggest that this variant may disrupt the consensus splice site. This variant is located in the I band of TTN (PMID: 25589632). Truncating variants in this region have been reported in individuals affected with autosomal recessive centronuclear myopathy (PMID: 23975875, internal data). Truncating variants in this region have also been identified in individuals affected with autosomal dominant dilated cardiomyopathy and/or cardio-related conditions (PMID: 27869827, 32964742, internal data). For these reasons, this variant has been classified as Pathogenic.

Ambry Genetics
Classification: Likely pathogenic for Cardiovascular phenotype. Last evaluated: 2023-10-03. Review status: criteria provided, single submitter. Criteria: Ambry Variant Classification Scheme 2023. Collection method: clinical testing. Allele origin: germline.
Comment: The p.R2455* variant (also known as c.7363C>T), located in coding exon 30 of the TTN gene, results from a C to T substitution at nucleotide position 7363. This changes the amino acid from an arginine to a stop codon within coding exon 30. This exon is located in the I-band region of the N2-B isoform of the titin protein and is constitutively expressed in TTN transcripts (percent spliced in or PSI 100%). This variant is considered to be rare based on population cohorts in the Genome Aggregation Database (gnomAD). This alteration is expected to result in loss of function by premature protein truncation or nonsense-mediated mRNA decay. While truncating variants in TTN are present in 1-3% of the general population, truncating variants in the A-band are the most common cause of dilated cardiomyopathy (DCM) (Herman DS et al. N. Engl. J. Med., 2012 Feb;366:619-28; Roberts AM et al. Sci Transl Med, 2015 Jan;7:270ra6). TTN truncating variants encoded in constitutive exons (PSI >90%) have been found to be significantly associated with DCM regardless of their position in titin (Schafer S et al. Nat. Genet., 2017 01;49:46-53). Based on the majority of available evidence to date, this variant is likely to be pathogenic.

Literature cited by the submitters: PubMed 25589632 (cited by Labcorp Genetics (formerly Invitae), Labcorp); PubMed 23975875 (cited by Labcorp Genetics (formerly Invitae), Labcorp); PubMed 27869827 (cited by Labcorp Genetics (formerly Invitae), Labcorp); PubMed 32964742 (cited by Labcorp Genetics (formerly Invitae), Labcorp).

NM_001267550.2(TTN):c.7501C>T (p.Arg2501Ter)

Gene: TTN (titin; minus strand). Cytogenetic location: 2q31.2.
Variant type: single nucleotide variant.
Coding change: c.7501C>T on transcript NM_001267550.2 (MANE Select); coding-DNA position 7501, C replaced by T.
Protein change: p.Arg2501Ter; replaces arginine 2501 with a stop codon.
Molecular consequence: nonsense.
Genome position (GRCh38, 1-based): chr2:178,773,555, G>A on the plus strand (C>T on the coding strand, the complement: TTN is on the minus strand). VCF-style: chr2-178773555-G-A. GRCh37 (hg19) VCF-style: chr2-179638282-G-A.
Other names: c.7501C>T, p.Arg2501Ter (NM_001256850.1, NM_133378.4, NM_133379.5); c.7363C>T, p.Arg2455Ter (NM_003319.4, NM_133432.3, NM_133437.4); short protein forms R2501*, R2455*.
Identifiers: ClinVar variation 578280 (VCV000578280.10), dbSNP rs781459488, ClinGen allele CA2004802.